The following is an entry in ClinVar:

ClinVar aggregate classification (germline): Uncertain significance. Review status: criteria provided, multiple submitters, no conflicts (2 of 4 stars). 2 submissions from 2 submitters: Uncertain significance (2). Last evaluated 2026-04-28.

Conditions:
Hereditary cancer-predisposing syndrome. Also called: Tumor predisposition; Hereditary Cancer Syndrome; Neoplastic Syndromes, Hereditary; Hereditary neoplastic syndrome. Identifiers: Orphanet 140162, MedGen C0027672, MeSH D009386, MONDO:0015356.

Submissions (2):

Ambry Genetics
Classification: Uncertain significance for Hereditary cancer-predisposing syndrome. Last evaluated: 2026-04-28. Review status: criteria provided, single submitter. Criteria: Ambry Variant Classification Scheme 2023. Collection method: clinical testing. Allele origin: germline.
Comment: The p.T1235I variant (also known as c.3704C>T), located in coding exon 24 of the RAD50 gene, results from a C to T substitution at nucleotide position 3704. The threonine at codon 1235 is replaced by isoleucine, an amino acid with similar properties. This amino acid position is conserved. In addition, this alteration is predicted to be deleterious by in silico analysis. Based on the available evidence, the clinical significance of this variant remains unclear.

Labcorp Genetics (formerly Invitae), Labcorp
Classification: Uncertain significance for Hereditary cancer-predisposing syndrome. Last evaluated: 2023-04-22. Review status: criteria provided, single submitter. Criteria: Invitae Variant Classification Sherloc (09022015). Collection method: clinical testing. Allele origin: germline.
Comment: In summary, the available evidence is currently insufficient to determine the role of this variant in disease. Therefore, it has been classified as a Variant of Uncertain Significance. Advanced modeling of protein sequence and biophysical properties (such as structural, functional, and spatial information, amino acid conservation, physicochemical variation, residue mobility, and thermodynamic stability) performed at Invitae indicates that this missense variant is expected to disrupt RAD50 protein function. ClinVar contains an entry for this variant (Variation ID: 639074). This variant has not been reported in the literature in individuals affected with RAD50-related conditions. This variant is not present in population databases (gnomAD no frequency). This sequence change replaces threonine, which is neutral and polar, with isoleucine, which is neutral and non-polar, at codon 1235 of the RAD50 protein (p.Thr1235Ile).

NM_005732.4(RAD50):c.3704C>T (p.Thr1235Ile)

Genes: RAD50 (RAD50 double strand break repair protein; plus strand), TH2-LCR (Th2 cytokine locus control region; plus strand), TH2LCRR (T helper type 2 locus control region associated RNA; minus strand). Cytogenetic location: 5q31.1.
Variant type: single nucleotide variant.
Coding change: c.3704C>T on transcript NM_005732.4 (MANE Select); coding-DNA position 3704, C replaced by T.
Protein change: p.Thr1235Ile; replaces threonine 1235 with isoleucine.
Molecular consequence: missense variant.
Genome position (GRCh38, 1-based): chr5:132,640,757, C>T. VCF-style: chr5-132640757-C-T. GRCh37 (hg19) VCF-style: chr5-131976449-C-T.
Other names: short protein forms T1235I.
Identifiers: ClinVar variation 639074 (VCV000639074.8), dbSNP rs1581023783, ClinGen allele CA360934562.